The following is an entry in ClinVar:

NM_000404.4(GLB1):c.1342G>A (p.Asp448Asn)

Gene: GLB1 (galactosidase beta 1; minus strand). Cytogenetic location: 3p22.3.
Variant type: single nucleotide variant.
Coding change: c.1342G>A on transcript NM_000404.4 (MANE Select); coding-DNA position 1342, G replaced by A.
Protein change: p.Asp448Asn; replaces aspartic acid 448 with asparagine.
Molecular consequence: missense variant.
Genome position (GRCh38, 1-based): chr3:33,018,453, C>T on the plus strand (G>A on the coding strand, the complement: GLB1 is on the minus strand). VCF-style: chr3-33018453-C-T. GRCh37 (hg19) VCF-style: chr3-33059945-C-T.
Other names: c.1252G>A, p.Asp418Asn (NM_001079811.3); c.949G>A, p.Asp317Asn (NM_001135602.3); c.1486G>A, p.Asp496Asn (NM_001317040.2); c.1342G>A, p.Asp448Asn (NM_001393580.1); short protein forms D418N, D496N, D317N, D448N.
Identifiers: ClinVar variation 4782561 (VCV004782561.2).

ClinVar aggregate classification (germline): Conflicting classifications of pathogenicity. Review status: criteria provided, conflicting classifications (1 of 4 stars). 2 submissions from 2 submitters: Uncertain significance (1); Likely benign (1). Last evaluated 2025-09-10.

Conditions:
GM1 gangliosidosis. Identifiers: Orphanet 354, MedGen C0085131, MONDO:0018149.
Mucopolysaccharidosis, MPS-IV-B (MPS4B). Also called: MORQUIO SYNDROME B; MPS IVB; Mucopolysaccharidosis type IV B; Mucopolysaccharidosis Type IVB; Mucopolysaccharidosis type 4B; Mucopolysaccharidosis Type IVB (Morquio B Disease). Identifiers: Orphanet 309310, Orphanet 582, MedGen C0086652, MONDO:0009660, OMIM 253010.

gnomAD v4.1: 8 of 1,613,936 alleles (0.0005%); highest among the groups gnomAD compares: Middle Eastern, 0.016%; no homozygotes.

Submissions (2):

Labcorp Genetics (formerly Invitae), Labcorp
Classification: Uncertain significance for Mucopolysaccharidosis, MPS-IV-B; GM1 gangliosidosis. Last evaluated: 2025-09-10. Review status: criteria provided, single submitter. Criteria: Invitae Variant Classification Sherloc (09022015). Collection method: clinical testing. Allele origin: germline.
Comment: This sequence change replaces aspartic acid, which is acidic and polar, with asparagine, which is neutral and polar, at codon 448 of the GLB1 protein (p.Asp448Asn). This variant is present in population databases (rs779755961, gnomAD 0.0009%). This variant has not been reported in the literature in individuals affected with GLB1-related conditions. Invitae Evidence Modeling of protein sequence and biophysical properties (such as structural, functional, and spatial information, amino acid conservation, physicochemical variation, residue mobility, and thermodynamic stability) indicates that this missense variant is not expected to disrupt GLB1 protein function with a negative predictive value of 95%. This variant disrupts the p.Asp448 amino acid residue in GLB1. Other variant(s) that disrupt this residue have been determined to be pathogenic (PMID: 20175788, 29439846). This suggests that this residue is clinically significant, and that variants that disrupt this residue are likely to be disease-causing. In summary, the available evidence is currently insufficient to determine the role of this variant in disease. Therefore, it has been classified as a Variant of Uncertain Significance.

Blueprint Genetics
Classification: Likely benign. Last evaluated: 2024-06-24. Review status: criteria provided, single submitter. Criteria: ACMG Guidelines, 2015. Collection method: clinical testing. Allele origin: germline.

Literature cited by the submitters: PubMed 20175788 (cited by Labcorp Genetics (formerly Invitae), Labcorp); PubMed 29439846 (cited by Labcorp Genetics (formerly Invitae), Labcorp).